The following is an entry in ClinVar:

ClinVar aggregate classification (germline): Uncertain significance. Review status: criteria provided, single submitter (1 of 4 stars). 2 submissions from 2 submitters: Uncertain significance (1). 1 of the submissions does not count toward it. Last evaluated 2021-02-15.

Conditions:
Microcephaly. Also called: Microcephaly (disease). Identifiers: MedGen C4551563, MONDO:0001149, HP:0000252.
Ataxia-telangiectasia syndrome (AT). Also called: Cerebello-oculocutaneous telangiectasia; Immunodeficiency with ataxia telangiectasia; Ataxia-telangiectasia, complementation group E; Ataxia-telangiectasia, complementation group D; AT, COMPLEMENTATION GROUP C; ATAXIA-TELANGIECTASIA, COMPLEMENTATION GROUP A. Identifiers: Orphanet 100, MedGen C0004135, MONDO:0008840, OMIM 208900.

Submissions (2):

Labcorp Genetics (formerly Invitae), Labcorp
Classification: Uncertain significance for Ataxia-telangiectasia syndrome. Last evaluated: 2021-02-15. Review status: criteria provided, single submitter. Criteria: Invitae Variant Classification Sherloc (09022015). Collection method: clinical testing. Allele origin: germline.
Comment: This variant has not been reported in the literature in individuals with ATM-related conditions. ClinVar contains an entry for this variant (Variation ID: 813668). Advanced modeling of protein sequence and biophysical properties (such as structural, functional, and spatial information, amino acid conservation, physicochemical variation, residue mobility, and thermodynamic stability) performed at Invitae indicates that this missense variant is not expected to disrupt ATM protein function. Algorithms developed to predict the effect of sequence changes on RNA splicing suggest that this variant may create or strengthen a splice site, but this prediction has not been confirmed by published transcriptional studies. In summary, the available evidence is currently insufficient to determine the role of this variant in disease. Therefore, it has been classified as a Variant of Uncertain Significance. This variant is not present in population databases (ExAC no frequency). This sequence change replaces aspartic acid with valine at codon 1099 of the ATM protein (p.Asp1099Val). The aspartic acid residue is weakly conserved and there is a large physicochemical difference between aspartic acid and valine.

Department of Pediatrics, Samsung Medical Center, Samsung Medical Center
Classification: Uncertain significance for Microcephaly. Review status: no assertion criteria provided. Criteria: ACMG Guidelines, 2015. Collection method: research. Allele origin: germline. Affected: yes. Not counted in ClinVar's aggregate classification.

NM_000051.4(ATM):c.3296A>T (p.Asp1099Val)

Gene: ATM (ATM serine/threonine kinase; plus strand). Cytogenetic location: 11q22.3.
Variant type: single nucleotide variant.
Coding change: c.3296A>T on transcript NM_000051.4 (MANE Select); coding-DNA position 3296, A replaced by T.
Protein change: p.Asp1099Val; replaces aspartic acid 1099 with valine.
Molecular consequence: missense variant.
Genome position (GRCh38, 1-based): chr11:108,279,502, A>T. VCF-style: chr11-108279502-A-T. GRCh37 (hg19) VCF-style: chr11-108150229-A-T.
Other names: c.3296A>T, p.Asp1099Val (NM_001351834.2); short protein forms D1099V.
Identifiers: ClinVar variation 813668 (VCV000813668.7), dbSNP rs587778072, ClinGen allele CA382517312.